The following is an entry in ClinVar:

ClinVar aggregate classification (germline): Likely benign (1 of 4 stars; one submission).

gnomAD v4.1: 32 of 1,613,876 alleles (0.002%); highest among the groups gnomAD compares: South Asian, 0.019%; no homozygotes.

Submission:

CeGaT Center for Human Genetics Tuebingen
Classification: Likely benign. Last evaluated: 2025-07-01. Review status: criteria provided, single submitter. Criteria: CeGaT Center For Human Genetics Tuebingen Variant Classification Criteria Version 2. Collection method: clinical testing. Allele origin: germline. Affected: yes. Observed: 1 variant allele.
Comment: PI4KB: BP4, BP7

NM_001369623.2(PI4KB):c.318C>T (p.Ala106=)

Gene: PI4KB (phosphatidylinositol 4-kinase beta; minus strand). Cytogenetic location: 1q21.3.
Variant type: single nucleotide variant.
Coding change: c.318C>T on transcript NM_001369623.2 (MANE Select); coding-DNA position 318, C replaced by T.
Protein change: p.Ala106=; no amino-acid change (alanine 106 retained).
Molecular consequence: synonymous variant. On other transcripts: intron variant (1).
Genome position (GRCh38, 1-based): chr1:151,316,164, G>A on the plus strand (C>T on the coding strand, the complement: PI4KB is on the minus strand). VCF-style: chr1-151316164-G-A. GRCh37 (hg19) VCF-style: chr1-151288640-G-A.
Other names: c.318C>T, p.Ala106= (NM_001198773.3, NM_001198774.2, NM_001330721.2 and 3 more transcripts); c.354C>T, p.Ala118= (NM_001369625.1, NM_001369628.1, NM_002651.4); c.-42-8363C>T (NM_001198775.3).
Identifiers: ClinVar variation 4084507 (VCV004084507.8).